The following is an entry in ClinVar:

ClinVar aggregate classification (germline): Pathogenic (1 of 4 stars; one submission).

Submission:

GeneDx
Classification: Pathogenic. Last evaluated: 2016-12-30. Review status: criteria provided, single submitter. Criteria: GeneDx Variant Classification (06012015). Collection method: clinical testing. Allele origin: germline. Affected: yes.
Comment: The c.34delG variant in the MED13L gene has not been reported previously as a pathogenic variant nor as a benign variant, to our knowledge. It was not observed in the large population cohort in the Exome Aggregation Consortium (ExAC). The c.34delG variant causes a frameshift starting with codon Alanine 12, changes this amino acid to an Arginine residue, and creates a premature Stop codon at position 35 of the new reading frame, denoted p.Ala12ArgfsX35. This variant is predicted to cause loss of normal protein function either through protein truncation or nonsense-mediated mRNA decay. Therefore, the presence of this pathogenic variant is consistent with a diagnosis of an MED13L-related disorder.

NM_015335.5(MED13L):c.34del (p.Ala12fs)

Gene: MED13L (mediator complex subunit 13L; minus strand). Cytogenetic location: 12q24.21.
Variant type: Deletion.
Coding change: c.34del on transcript NM_015335.5 (MANE Select); coding-DNA position 34, one base deleted (G; older notation c.34delG).
Protein change: p.Ala12fs; shifts the reading frame from alanine 12.
Molecular consequence: frameshift variant.
Genome position (GRCh38, 1-based): chr12:116,277,098, C deleted on the plus strand (G on the coding strand, the reverse complement: MED13L is on the minus strand); the first of 4 consecutive C bases (chr12:116,277,098-116,277,101); deleting any one gives the same sequence. VCF-style (leftmost placement, unchanged base first): chr12-116277097-GC-G. GRCh37 (hg19) VCF-style: chr12-116714902-GC-G.
Other names: short protein forms A12fs.
Identifiers: ClinVar variation 817639 (VCV000817639.1), dbSNP rs1593238375, ClinGen allele CA915946731.